The following is an entry in ClinVar:

NM_000053.4(ATP7B):c.3313A>G (p.Lys1105Glu)

Gene: ATP7B (ATPase copper transporting beta; minus strand). Cytogenetic location: 13q14.3.
Variant type: single nucleotide variant.
Coding change: c.3313A>G on transcript NM_000053.4 (MANE Select); coding-DNA position 3313, A replaced by G.
Protein change: p.Lys1105Glu; replaces lysine 1105 with glutamic acid.
Molecular consequence: missense variant.
Genome position (GRCh38, 1-based): chr13:51,942,485, T>C on the plus strand (A>G on the coding strand, the complement: ATP7B is on the minus strand). VCF-style: chr13-51942485-T-C. GRCh37 (hg19) VCF-style: chr13-52516621-T-C.
Other names: c.2692A>G, p.Lys898Glu (NM_001005918.3); c.2980A>G, p.Lys994Glu (NM_001243182.2); c.3079A>G, p.Lys1027Glu (NM_001330578.2, NM_001406527.1, NM_001406528.1 and 1 more transcripts); c.3061A>G, p.Lys1021Glu (NM_001330579.2, NM_001406531.1, NM_001406532.1); c.3313A>G, p.Lys1105Glu (NM_001406511.1, NM_001406512.1, NM_001406526.1); c.3307A>G, p.Lys1103Glu (NM_001406513.1); c.3280A>G, p.Lys1094Glu (NM_001406514.1); c.3259A>G, p.Lys1087Glu (NM_001406515.1, NM_001406516.1); and 19 more; short protein forms K1009E, K1021E, K1025E, K1027E, K1040E, K1044E, K1046E, K1057E.
Identifiers: ClinVar variation 3075595 (VCV003075595.3), dbSNP rs1957395448, ClinGen allele CA388028448.

ClinVar aggregate classification (germline): Uncertain significance. Review status: criteria provided, multiple submitters, no conflicts (2 of 4 stars). 2 submissions from 2 submitters: Uncertain significance (2). Last evaluated 2024-06-11.

Conditions:
Wilson disease (WND). Also called: Wilson's disease. Identifiers: Orphanet 905, MedGen C0019202, MONDO:0010200, OMIM 277900. Disease mechanism: loss of function.

Allele frequency attached by ClinVar (database versions not stated): gnomAD exomes 0.00002.
gnomAD v4.1: 27 of 1,614,212 alleles (0.0017%); highest among the groups gnomAD compares: Non-Finnish European, 0.0022%; no homozygotes.

Submissions (2):

All of Us Research Program, National Institutes of Health
Classification: Uncertain significance for Wilson disease. Last evaluated: 2024-06-11. Review status: criteria provided, single submitter. Criteria: ACMG Guidelines, 2015. Collection method: clinical testing. Allele origin: germline. Inheritance: Autosomal recessive inheritance. Observed: 5 variant alleles, 5 heterozygotes.
Comment: This missense variant replaces lysine with glutamic acid at codon 1105 of the ATP7B protein. Computational prediction suggests that this variant may not impact protein structure and function (internally defined REVEL score threshold <= 0.5, PMID: 27666373). To our knowledge, functional studies have not been reported for this variant. This variant has not been reported in individuals affected with ATP7B-related disorders in the literature. This variant has not been identified in the general population by the Genome Aggregation Database (gnomAD). The available evidence is insufficient to determine the role of this variant in disease conclusively. Therefore, this variant is classified as a Variant of Uncertain Significance.

This study involves interpretation of variants in research participants for the purpose of population health screening. Participant phenotype was not available at the time of variant classification. Additional details can be found in publication PMID: 35346344, PMCID: PMC8962531

Fulgent Genetics
Classification: Uncertain significance for Wilson disease. Last evaluated: 2024-03-19. Review status: criteria provided, single submitter. Criteria: ACMG Guidelines, 2015. Collection method: clinical testing. Allele origin: germline.